The following is an entry in ClinVar:

NM_015100.4(POGZ):c.4120T>C (p.Ser1374Pro)

Gene: POGZ (pogo transposable element derived with ZNF domain; minus strand). Cytogenetic location: 1q21.3.
Variant type: single nucleotide variant.
Coding change: c.4120T>C on transcript NM_015100.4 (MANE Select); coding-DNA position 4120, T replaced by C.
Protein change: p.Ser1374Pro; replaces serine 1374 with proline.
Molecular consequence: missense variant.
Genome position (GRCh38, 1-based): chr1:151,404,915, A>G on the plus strand (T>C on the coding strand, the complement: POGZ is on the minus strand). VCF-style: chr1-151404915-A-G. GRCh37 (hg19) VCF-style: chr1-151377391-A-G.
Other names: c.4093T>C, p.Ser1365Pro (NM_001194937.2); c.3934T>C, p.Ser1312Pro (NM_001194938.2); c.4141T>C, p.Ser1381Pro (NM_001410860.1); c.3835T>C, p.Ser1279Pro (NM_145796.4); c.3961T>C, p.Ser1321Pro (NM_207171.2); short protein forms S1279P, S1312P, S1321P, S1381P, S1374P, S1365P.
Identifiers: ClinVar variation 3572561 (VCV003572561.1).
Genomic context (GRCh38, chr1:151,404,915, plus strand): 5'-TCTCACTTTCACCCTCAAAGAGCTGGTGAAGACTTTCAGGCTCAATTGTCTCTTCAGGAG[A>G]TGATCTGGGTCGTGGAGTGGAAGACTCAGAATGTTCCCCACTCAGCTTCAGTTGCTCCTC-3'
Protein context (NP_055915.2, residues 1364-1384): SESSTPRPRS[Ser1374Pro]PEETIEPESL

ClinVar aggregate classification (germline): Uncertain significance (1 of 4 stars; one submission).

Submission:

GeneDx
Classification: Uncertain significance. Last evaluated: 2024-07-10. Review status: criteria provided, single submitter. Criteria: GeneDx Variant Classification Process June 2021. Collection method: clinical testing. Allele origin: germline. Affected: yes.
Comment: Not observed at significant frequency in large population cohorts (gnomAD); In silico analysis indicates that this missense variant does not alter protein structure/function; Has not been previously published as pathogenic or benign to our knowledge